The following is an entry in ClinVar:

NM_000276.4(OCRL):c.1253T>C (p.Ile418Thr)

Gene: OCRL (OCRL inositol polyphosphate-5-phosphatase; plus strand). Cytogenetic location: Xq26.1.
Variant type: single nucleotide variant.
Coding change: c.1253T>C on transcript NM_000276.4 (MANE Select); coding-DNA position 1253, T replaced by C.
Protein change: p.Ile418Thr; replaces isoleucine 418 with threonine.
Molecular consequence: missense variant.
Genome position (GRCh38, 1-based): chrX:129,565,780, T>C. VCF-style: chrX-129565780-T-C. GRCh37 (hg19) VCF-style: chrX-128699757-T-C.
Other names: c.1256T>C, p.Ile419Thr (NM_001318784.2); c.1253T>C, p.Ile418Thr (NM_001587.4); short protein forms I418T, I419T.
Identifiers: ClinVar variation 4882386 (VCV004882386.2).
Genomic context (GRCh38, chrX:129,565,780, plus strand): 5'-GTTTTTTTTATGCTAATCGCTACTTCTGTTCATACATTTTTTTGATCCTTAGGGTTGTCA[T>C]TTGGTTGGGAGATTTGAATTATAGACTTTGCATGCCTGATGCCAATGAGGTGAAAAGTCT-3'
Protein context (NP_000267.2, residues 408-428): QLNIMKHEVV[Ile418Thr]WLGDLNYRLC

ClinVar aggregate classification (germline): Uncertain significance (1 of 4 stars; one submission).

Submission:

Dasa
Classification: Uncertain significance. Last evaluated: 2025-04-06. Review status: criteria provided, single submitter. Criteria: DASA Assertion Criteria. Collection method: clinical testing. Allele origin: germline.
Comment: NM_000276.4(OCRL):c.1253T>C (p.Ile418Thr) is a missense variant that results in the substitution of isoleucine with threonine. This variant is absent from population databases. Computational prediction algorithms are consistent with a deleterious effect. The currently available literature and clinical evidence are not sufficient to establish a definitive association between this variant and the reported condition. Therefore, this variant is classified as a variant of uncertain significance.